The following is an entry in ClinVar:

ClinVar aggregate classification (germline): Conflicting classifications of pathogenicity. Review status: criteria provided, conflicting classifications (1 of 4 stars). 3 submissions from 3 submitters: Uncertain significance (2); Likely benign (1). Last evaluated 2026-07-07.

Conditions:
Hereditary cancer-predisposing syndrome. Also called: Hereditary Cancer Syndrome; Tumor predisposition; Neoplastic Syndromes, Hereditary; Hereditary neoplastic syndrome. Identifiers: Orphanet 140162, MedGen C0027672, MeSH D009386, MONDO:0015356.
Hereditary breast ovarian cancer syndrome. Also called: Hereditary breast and ovarian cancer; Hereditary breast and/or ovarian cancer syndrome; Breast and ovarian cancer; Hereditary breast and ovarian cancer syndrome; Hereditary breast and ovarian cancer syndrome (HBOC); BRCA1- and BRCA2-Associated Hereditary Breast and Ovarian Cancer. Identifiers: Orphanet 145, MedGen C0677776, MeSH D061325, MONDO:0003582. Disease mechanism: loss of function.

Submissions (3):

Ambry Genetics
Classification: Uncertain significance for Hereditary cancer-predisposing syndrome. Last evaluated: 2026-07-07. Review status: criteria provided, single submitter. Criteria: Ambry Variant Classification Scheme 2023. Collection method: clinical testing. Allele origin: germline.
Comment: The p.L1687H variant (also known as c.5060T>A), located in coding exon 10 of the BRCA2 gene, results from a T to A substitution at nucleotide position 5060. The leucine at codon 1687 is replaced by histidine, an amino acid with similar properties. This amino acid position is conserved. In addition, this alteration is predicted to be tolerated by in silico analysis. Based on the available evidence, the clinical significance of this variant remains unclear.

University of Washington Department of Laboratory Medicine, University of Washington
Classification: Likely benign for Hereditary cancer-predisposing syndrome. Last evaluated: 2023-03-23. Review status: criteria provided, single submitter. Criteria: Dines et al. (Genet Med. 2020). Collection method: curation. Allele origin: germline.
Comment: Missense variant in a coldspot region where missense variants are very unlikely to be pathogenic (PMID:31911673).

BRCA2 exon 11 coldspot. Reclassification based on statistical prior probability.

Labcorp Genetics (formerly Invitae), Labcorp
Classification: Uncertain significance for Hereditary breast ovarian cancer syndrome. Last evaluated: 2021-10-12. Review status: criteria provided, single submitter. Criteria: Invitae Variant Classification Sherloc (09022015). Collection method: clinical testing. Allele origin: germline.
Comment: In summary, the available evidence is currently insufficient to determine the role of this variant in disease. Therefore, it has been classified as a Variant of Uncertain Significance. Advanced modeling of protein sequence and biophysical properties (such as structural, functional, and spatial information, amino acid conservation, physicochemical variation, residue mobility, and thermodynamic stability) performed at Invitae indicates that this missense variant is not expected to disrupt BRCA2 protein function. This variant has not been reported in the literature in individuals affected with BRCA2-related conditions. This variant is not present in population databases (ExAC no frequency). This sequence change replaces leucine with histidine at codon 1687 of the BRCA2 protein (p.Leu1687His). The leucine residue is moderately conserved and there is a moderate physicochemical difference between leucine and histidine.

NM_000059.4(BRCA2):c.5060T>A (p.Leu1687His)

Gene: BRCA2 (BRCA2 DNA repair associated; plus strand). Cytogenetic location: 13q13.1.
Variant type: single nucleotide variant.
Coding change: c.5060T>A on transcript NM_000059.4 (MANE Select); coding-DNA position 5060, T replaced by A.
Protein change: p.Leu1687His; replaces leucine 1687 with histidine.
Molecular consequence: missense variant.
Genome position (GRCh38, 1-based): chr13:32,339,415, T>A. VCF-style: chr13-32339415-T-A. GRCh37 (hg19) VCF-style: chr13-32913552-T-A.
Other names: c.5060T>A (NM_000059.3); short protein forms L1687H.
Identifiers: ClinVar variation 1524650 (VCV001524650.8), dbSNP rs2072519361, ClinGen allele CA387784038.